The following is an entry in ClinVar:

NM_006502.3(POLH):c.1505C>T (p.Thr502Ile)

Gene: POLH (DNA polymerase eta; plus strand). Cytogenetic location: 6p21.1.
Variant type: single nucleotide variant.
Coding change: c.1505C>T on transcript NM_006502.3 (MANE Select); coding-DNA position 1505, C replaced by T.
Protein change: p.Thr502Ile; replaces threonine 502 with isoleucine.
Molecular consequence: missense variant. On other transcripts: 3 prime UTR variant (1).
Genome position (GRCh38, 1-based): chr6:43,613,920, C>T. VCF-style: chr6-43613920-C-T. GRCh37 (hg19) VCF-style: chr6-43581657-C-T.
Other names: c.1133C>T, p.Thr378Ile (NM_001291969.2); c.*189C>T (NM_001291970.2); short protein forms T502I, T378I.
Identifiers: ClinVar variation 2477783 (VCV002477783.4), dbSNP rs367776007, ClinGen allele CA3827260.

ClinVar aggregate classification (germline): Uncertain significance. Review status: criteria provided, multiple submitters, no conflicts (2 of 4 stars). 2 submissions from 2 submitters: Uncertain significance (2). Last evaluated 2025-05-04.

Conditions:
Inborn genetic diseases. Identifiers: MedGen C0950123, MeSH D030342.

Allele frequency attached by ClinVar (database versions not stated): gnomAD exomes 0.00002; ExAC 0.00004; ESP Exome Variant Server 0.00015; 1000 Genomes Project 30x 0.00016; gnomAD 0.00017; 1000 Genomes Project 0.00020; TOPMed 0.00023.
gnomAD v4.1: 53 of 1,613,866 alleles (0.0033%); highest among the groups gnomAD compares: African/African-American, 0.061%; no homozygotes.

Submissions (2):

Ambry Genetics
Classification: Uncertain significance for Inborn genetic diseases. Last evaluated: 2025-05-04. Review status: criteria provided, single submitter. Criteria: Ambry Variant Classification Scheme 2023. Collection method: clinical testing. Allele origin: germline.

GeneDx
Classification: Uncertain significance. Last evaluated: 2025-02-26. Review status: criteria provided, single submitter. Criteria: GeneDx Variant Classification Process June 2021. Collection method: clinical testing. Allele origin: germline. Affected: yes.
Comment: In silico analysis indicates that this missense variant does not alter protein structure/function; Has not been previously published as pathogenic or benign to our knowledge